The following is an entry in ClinVar:

NM_000392.5(ABCC2):c.4246A>T (p.Lys1416Ter)

Gene: ABCC2 (ATP binding cassette subfamily C member 2; plus strand). Cytogenetic location: 10q24.2.
Variant type: single nucleotide variant.
Coding change: c.4246A>T on transcript NM_000392.5 (MANE Select); coding-DNA position 4246, A replaced by T.
Protein change: p.Lys1416Ter; replaces lysine 1416 with a stop codon.
Molecular consequence: nonsense.
Genome position (GRCh38, 1-based): chr10:99,847,060, A>T. VCF-style: chr10-99847060-A-T. GRCh37 (hg19) VCF-style: chr10-101606817-A-T.
Other names: c.4246A>T, p.Lys1416Ter (LRG_1208t1); short protein forms K1416*.
Identifiers: ClinVar variation 593795 (VCV000593795.8), dbSNP rs1564702358, ClinGen allele CA378129162.
Genomic context (GRCh38, chr10:99,847,060, plus strand): 5'-GACCCTTTCAACAACTACTCAGATGAGGAGATTTGGAAGGCCTTGGAGCTGGCTCACCTC[A>T]AGTCTTTTGTGGCCAGCCTGCAACTTGGGTTATCCCACGAAGTGACAGAGGCTGGTGGCA-3'

ClinVar aggregate classification (germline): Pathogenic. Review status: criteria provided, multiple submitters, no conflicts (2 of 4 stars). 2 submissions from 2 submitters: Pathogenic (2). Last evaluated 2023-06-09.

Allele frequency attached by ClinVar (database versions not stated): TOPMed below 0.00001.

Submissions (2):

Labcorp Genetics (formerly Invitae), Labcorp
Classification: Pathogenic. Last evaluated: 2023-06-09. Review status: criteria provided, single submitter. Criteria: Invitae Variant Classification Sherloc (09022015). Collection method: clinical testing. Allele origin: germline.
Comment: ClinVar contains an entry for this variant (Variation ID: 593795). This sequence change creates a premature translational stop signal (p.Lys1416*) in the ABCC2 gene. It is expected to result in an absent or disrupted protein product. Loss-of-function variants in ABCC2 are known to be pathogenic (PMID: 9185779, 16549534, 16952291). This variant is not present in population databases (gnomAD no frequency). This variant has not been reported in the literature in individuals affected with ABCC2-related conditions. For these reasons, this variant has been classified as Pathogenic.

Eurofins Ntd Llc (ga)
Classification: Pathogenic. Last evaluated: 2017-08-23. Review status: criteria provided, single submitter. Criteria: EGL Classification Definitions 2015. Collection method: clinical testing. Allele origin: germline. Observed: 2 variant alleles, 2 heterozygotes.

Literature cited by the submitters: PubMed 9185779 (cited by Labcorp Genetics (formerly Invitae), Labcorp); PubMed 16549534 (cited by Labcorp Genetics (formerly Invitae), Labcorp); PubMed 16952291 (cited by Labcorp Genetics (formerly Invitae), Labcorp).